The following is an entry in ClinVar:

ClinVar aggregate classification (germline): Uncertain significance (1 of 4 stars; one submission).

Allele frequency attached by ClinVar (database versions not stated): ExAC 0.00001; TOPMed 0.00002; gnomAD 0.00003; ESP Exome Variant Server 0.00008.
gnomAD v4.1: 6 of 1,614,072 alleles (0.00037%); highest among the groups gnomAD compares: African/African-American, 0.008%; no homozygotes.

Submission:

Labcorp Genetics (formerly Invitae), Labcorp
Classification: Uncertain significance. Last evaluated: 2023-08-17. Review status: criteria provided, single submitter. Criteria: Invitae Variant Classification Sherloc (09022015). Collection method: clinical testing. Allele origin: germline.
Comment: This variant has not been reported in the literature in individuals affected with TCF20-related conditions. This sequence change replaces isoleucine, which is neutral and non-polar, with phenylalanine, which is neutral and non-polar, at codon 1252 of the TCF20 protein (p.Ile1252Phe). This variant is present in population databases (rs370023764, gnomAD 0.01%). ClinVar contains an entry for this variant (Variation ID: 1954739). An algorithm developed to predict the effect of missense changes on protein structure and function (PolyPhen-2) suggests that this variant is likely to be disruptive. In summary, the available evidence is currently insufficient to determine the role of this variant in disease. Therefore, it has been classified as a Variant of Uncertain Significance.

NM_001378418.1(TCF20):c.3754A>T (p.Ile1252Phe)

Gene: TCF20 (transcription factor 20; minus strand). Cytogenetic location: 22q13.2.
Variant type: single nucleotide variant.
Coding change: c.3754A>T on transcript NM_001378418.1 (MANE Select); coding-DNA position 3754, A replaced by T.
Protein change: p.Ile1252Phe; replaces isoleucine 1252 with phenylalanine.
Molecular consequence: missense variant.
Genome position (GRCh38, 1-based): chr22:42,211,552, T>A on the plus strand (A>T on the coding strand, the complement: TCF20 is on the minus strand). VCF-style: chr22-42211552-T-A. GRCh37 (hg19) VCF-style: chr22-42607558-T-A.
Other names: c.3754A>T, p.Ile1252Phe (NM_005650.4, NM_181492.3); short protein forms I1252F.
Identifiers: ClinVar variation 1954739 (VCV001954739.5), dbSNP rs370023764, ClinGen allele CA10266777.